The following is an entry in ClinVar:

NM_015102.5(NPHP4):c.1703del (p.Leu568fs)

Gene: NPHP4 (nephrocystin 4; minus strand). Cytogenetic location: 1p36.31.
Variant type: Deletion.
Coding change: c.1703del on transcript NM_015102.5 (MANE Select); coding-DNA position 1703, one base deleted (T; older notation c.1703delT).
Protein change: p.Leu568fs; shifts the reading frame from leucine 568.
Molecular consequence: frameshift variant. On other transcripts: non-coding transcript variant (1).
Genome position (GRCh38, 1-based): chr1:5,905,692, A deleted on the plus strand (T on the coding strand, the reverse complement: NPHP4 is on the minus strand); the first of 2 consecutive A bases (chr1:5,905,692-5,905,693); deleting either gives the same sequence. VCF-style (leftmost placement, unchanged base first): chr1-5905691-TA-T. GRCh37 (hg19) VCF-style: chr1-5965751-TA-T.
Other names: c.164del, p.Leu55fs (NM_001291593.2); c.167del, p.Leu56fs (NM_001291594.2); short protein forms L568fs, L55fs, L56fs.
Identifiers: ClinVar variation 4717311 (VCV004717311.1).

ClinVar aggregate classification (germline): Pathogenic (1 of 4 stars; one submission).

Conditions:
Nephronophthisis. Also called: Juvenile Nephronophthisis. Identifiers: Orphanet 655, MedGen C0687120, MONDO:0019005, HP:0000090.

Submission:

Labcorp Genetics (formerly Invitae), Labcorp
Classification: Pathogenic for Nephronophthisis. Last evaluated: 2025-04-11. Review status: criteria provided, single submitter. Criteria: Invitae Variant Classification Sherloc (09022015). Collection method: clinical testing. Allele origin: germline.
Comment: This sequence change creates a premature translational stop signal (p.Leu568Tyrfs*59) in the NPHP4 gene. It is expected to result in an absent or disrupted protein product. Loss-of-function variants in NPHP4 are known to be pathogenic (PMID: 12205563, 23559409). This variant is not present in population databases (gnomAD no frequency). This variant has not been reported in the literature in individuals affected with NPHP4-related conditions. For these reasons, this variant has been classified as Pathogenic.

Literature cited by the submitters: PubMed 12205563; PubMed 23559409.